The following is an entry in ClinVar:

ClinVar aggregate classification (germline): Pathogenic (1 of 4 stars; one submission).

Submission:

Labcorp Genetics (formerly Invitae), Labcorp
Classification: Pathogenic. Last evaluated: 2023-01-03. Review status: criteria provided, single submitter. Criteria: Invitae Variant Classification Sherloc (09022015). Collection method: clinical testing. Allele origin: germline.
Comment: For these reasons, this variant has been classified as Pathogenic. This variant has not been reported in the literature in individuals affected with SI-related conditions. This variant is not present in population databases (gnomAD no frequency). This sequence change creates a premature translational stop signal (p.Gln90Argfs*30) in the SI gene. It is expected to result in an absent or disrupted protein product. Loss-of-function variants in SI are known to be pathogenic (PMID: 16329100, 23103650, 25452324).

Literature cited by the submitters: PubMed 16329100; PubMed 23103650; PubMed 25452324.

NM_001041.4(SI):c.267del (p.Gln90fs)

Gene: SI (sucrase-isomaltase; minus strand). Cytogenetic location: 3q26.1.
Variant type: Deletion.
Coding change: c.267del on transcript NM_001041.4 (MANE Select); coding-DNA position 267, one base deleted (A; older notation c.267delA).
Protein change: p.Gln90fs; shifts the reading frame from glutamine 90.
Molecular consequence: frameshift variant.
Genome position (GRCh38, 1-based): chr3:165,069,184, T deleted on the plus strand (A on the coding strand, the reverse complement: SI is on the minus strand). VCF-style (leftmost placement, unchanged base first): chr3-165069183-GT-G. GRCh37 (hg19) VCF-style: chr3-164786971-GT-G.
Other names: short protein forms Q90fs.
Identifiers: ClinVar variation 2826123 (VCV002826123.3), dbSNP rs2473438329, ClinGen allele CA2739279300.